The following is an entry in ClinVar:

ClinVar aggregate classification (germline): Uncertain significance (1 of 4 stars; one submission).

gnomAD v4.1: 1 of 1,611,346 alleles (0.000062%); highest among the groups gnomAD compares: Non-Finnish European, 0.000085%; no homozygotes.

Submission:

GeneDx
Classification: Uncertain significance. Last evaluated: 2025-03-12. Review status: criteria provided, single submitter. Criteria: GeneDx Variant Classification Process June 2021. Collection method: clinical testing. Allele origin: germline. Affected: yes.
Comment: Not observed at significant frequency in large population cohorts (gnomAD); Has not been previously published as pathogenic or benign to our knowledge; Nonsense variant predicted to result in protein truncation as the last 75 amino acids are lost with an unclear effect on protein function

NM_001005388.3(NFASC):c.3496G>T (p.Glu1166Ter)

Gene: NFASC (neurofascin; plus strand). Cytogenetic location: 1q32.1.
Variant type: single nucleotide variant.
Coding change: c.3496G>T on transcript NM_001005388.3 (MANE Select); coding-DNA position 3496, G replaced by T.
Protein change: p.Glu1166Ter; replaces glutamic acid 1166 with a stop codon.
Molecular consequence: nonsense.
Genome position (GRCh38, 1-based): chr1:205,016,312, G>T. VCF-style: chr1-205016312-G-T. GRCh37 (hg19) VCF-style: chr1-204985440-G-T.
Other names: c.3343G>T, p.Glu1115Ter (NM_001160331.2); c.3298G>T, p.Glu1100Ter (NM_001160332.2); c.2962G>T, p.Glu988Ter (NM_001365986.1); c.3817G>T, p.Glu1273Ter (NM_001378329.1); c.3283G>T, p.Glu1095Ter (NM_015090.4); short protein forms E1095*, E1100*, E1115*, E1166*, E1273*, E988*.
Identifiers: ClinVar variation 4082991 (VCV004082991.1).